The following is an entry in ClinVar:

NM_001287.6(CLCN7):c.886G>C (p.Gly296Arg)

Gene: CLCN7 (Cl-/H+ antiporter 7; minus strand). Cytogenetic location: 16p13.3.
Variant type: single nucleotide variant.
Coding change: c.886G>C on transcript NM_001287.6 (MANE Select); coding-DNA position 886, G replaced by C.
Protein change: p.Gly296Arg; replaces glycine 296 with arginine.
Molecular consequence: missense variant.
Genome position (GRCh38, 1-based): chr16:1,456,143, C>G on the plus strand (G>C on the coding strand, the complement: CLCN7 is on the minus strand). VCF-style: chr16-1456143-C-G. GRCh37 (hg19) VCF-style: chr16-1506144-C-G.
Other names: c.814G>C, p.Gly272Arg (NM_001114331.3); short protein forms G272R, G296R.
Identifiers: ClinVar variation 4853988 (VCV004853988.1).

ClinVar aggregate classification (germline): Uncertain significance (1 of 4 stars; one submission).

Conditions:
Autosomal recessive osteopetrosis 4. Also called: infantile malignant CLCN7-related recessive osteopetrosis; CLCN7-Related Osteopetrosis. Identifiers: Orphanet 667, MedGen C1969106, MONDO:0012676, OMIM 611490.

Submission:

3billion
Classification: Uncertain significance for Autosomal recessive osteopetrosis 4. Last evaluated: 2026-01-20. Review status: criteria provided, single submitter. Criteria: ACMG Guidelines, 2015. Collection method: clinical testing. Allele origin: germline. Affected: yes.
Comment: The variant is not observed in the gnomAD v4.1.0 dataset. Predicted Consequence/Location: Missense variant In silico tool predictions suggest damaging effect of the variant on gene or gene product [REVEL: 0.90 (>=0.6, sensitivity 0.68 and specificity 0.92); 3Cnet: 0.99 (> 0.75, sensitivity 0.96 and precision 0.92)]. The different nucleotide change resulting in the same amino acid change has been previously reported to be associated with CLCN7-related disorder(PMID: 36513280). However, the evidence of pathogenicity is insufficient at this time. Therefore, this variant is classified as VUS according to the recommendation of ACMG/AMP guideline.

Literature cited by the submitters: PubMed 36513280.